The following is an entry in ClinVar:

NM_000530.8(MPZ):c.530A>G (p.Tyr177Cys)

Gene: MPZ (myelin protein zero; minus strand). Cytogenetic location: 1q23.3.
Variant type: single nucleotide variant.
Coding change: c.530A>G on transcript NM_000530.8 (MANE Select); coding-DNA position 530, A replaced by G.
Protein change: p.Tyr177Cys; replaces tyrosine 177 with cysteine.
Molecular consequence: missense variant.
Genome position (GRCh38, 1-based): chr1:161,306,383, T>C on the plus strand (A>G on the coding strand, the complement: MPZ is on the minus strand). VCF-style: chr1-161306383-T-C. GRCh37 (hg19) VCF-style: chr1-161276173-T-C.
Other names: c.530A>G (LRG_256t1); c.530A>G, p.Tyr177Cys (NM_001315491.2); short protein forms Y177C.
Identifiers: ClinVar variation 566361 (VCV000566361.9), dbSNP rs573456055, ClinGen allele CA1210142.

ClinVar aggregate classification (germline): Uncertain significance (1 of 4 stars; one submission).

Conditions:
Charcot-Marie-Tooth disease, type I (CMT1). Also called: Charcot-Marie-Tooth, Type 1; Charcot-Marie-Tooth disease type 1. Identifiers: Orphanet 65753, MedGen C0751036, MONDO:0019011.

Allele frequency attached by ClinVar (database versions not stated): TOPMed 0.00003; 1000 Genomes Project 0.00020; gnomAD 0.00003 and 0.00004; ExAC 0.00002; 1000 Genomes Project 30x 0.00016.

Submission:

Labcorp Genetics (formerly Invitae), Labcorp
Classification: Uncertain significance for Charcot-Marie-Tooth disease, type I. Last evaluated: 2020-02-10. Review status: criteria provided, single submitter. Criteria: Invitae Variant Classification Sherloc (09022015). Collection method: clinical testing. Allele origin: germline.
Comment: This sequence change replaces tyrosine with cysteine at codon 177 of the MPZ protein (p.Tyr177Cys). The tyrosine residue is highly conserved and there is a large physicochemical difference between tyrosine and cysteine. This variant is present in population databases (rs573456055, ExAC 0.02%). This variant has not been reported in the literature in individuals with MPZ-related disease. Algorithms developed to predict the effect of missense changes on protein structure and function do not agree on the potential impact of this missense change (SIFT: "Deleterious"; PolyPhen-2: "Possibly Damaging"; Align-GVGD: "Class C0"). In summary, the available evidence is currently insufficient to determine the role of this variant in disease. Therefore, it has been classified as a Variant of Uncertain Significance.